The following is an entry in ClinVar:

NM_000081.4(LYST):c.10159G>A (p.Asp3387Asn)

Gene: LYST (lysosomal trafficking regulator; minus strand). Cytogenetic location: 1q42.3.
Variant type: single nucleotide variant.
Coding change: c.10159G>A on transcript NM_000081.4 (MANE Select); coding-DNA position 10159, G replaced by A.
Protein change: p.Asp3387Asn; replaces aspartic acid 3387 with asparagine.
Molecular consequence: missense variant.
Genome position (GRCh38, 1-based): chr1:235,702,962, C>T on the plus strand (G>A on the coding strand, the complement: LYST is on the minus strand). VCF-style: chr1-235702962-C-T. GRCh37 (hg19) VCF-style: chr1-235866262-C-T.
Other names: c.10159G>A, p.Asp3387Asn (NM_001301365.1); short protein forms D3387N.
Identifiers: ClinVar variation 1498758 (VCV001498758.6), dbSNP rs2527324482, ClinGen allele CA344932473.

ClinVar aggregate classification (germline): Uncertain significance. Review status: criteria provided, multiple submitters, no conflicts (2 of 4 stars). 2 submissions from 2 submitters: Uncertain significance (2). Last evaluated 2025-10-24.

Conditions:
Chédiak-Higashi syndrome (CHS). Also called: Chediak-Higashi Syndrome. Identifiers: Orphanet 167, MedGen C0007965, MONDO:0008963, OMIM 214500.

Allele frequency attached by ClinVar (database versions not stated): gnomAD exomes below 0.00001.
gnomAD v4.1: 1 of 1,612,466 alleles (0.000062%); highest among the groups gnomAD compares: Admixed American, 0.0017%; no homozygotes.

Submissions (2):

Women's Health and Genetics/Laboratory Corporation of America, LabCorp
Classification: Uncertain significance. Last evaluated: 2025-10-24. Review status: criteria provided, single submitter. Criteria: LabCorp Variant Classification Summary - May 2015. Collection method: clinical testing. Allele origin: germline.
Comment: Variant summary: LYST c.10159G>A (p.Asp3387Asn) results in a conservative amino acid change in the encoded protein sequence. Algorithms developed to predict the effect of missense changes on protein structure and function are either unavailable or do not agree on the potential impact of this missense change. The variant was absent in 250974 control chromosomes. The available data on variant occurrences in the general population are insufficient to allow any conclusion about variant significance. To our knowledge, no occurrence of c.10159G>A in individuals affected with LYST-related conditions and no experimental evidence demonstrating its impact on protein function have been reported. ClinVar contains an entry for this variant (Variation ID: 1498758). Based on the evidence outlined above, the variant was classified as uncertain significance.

Labcorp Genetics (formerly Invitae), Labcorp
Classification: Uncertain significance for Chédiak-Higashi syndrome. Last evaluated: 2021-09-24. Review status: criteria provided, single submitter. Criteria: Invitae Variant Classification Sherloc (09022015). Collection method: clinical testing. Allele origin: germline.
Comment: This sequence change replaces aspartic acid with asparagine at codon 3387 of the LYST protein (p.Asp3387Asn). The aspartic acid residue is moderately conserved and there is a small physicochemical difference between aspartic acid and asparagine. This variant is not present in population databases (ExAC no frequency). This variant has not been reported in the literature in individuals with LYST-related conditions. Algorithms developed to predict the effect of missense changes on protein structure and function are either unavailable or do not agree on the potential impact of this missense change (SIFT: "Tolerated"; PolyPhen-2: "Probably Damaging"; Align-GVGD: "Class C0"). In summary, the available evidence is currently insufficient to determine the role of this variant in disease. Therefore, it has been classified as a Variant of Uncertain Significance.